The following is an entry in ClinVar:

NM_000081.4(LYST):c.6198G>C (p.Met2066Ile)

Gene: LYST (lysosomal trafficking regulator; minus strand). Cytogenetic location: 1q42.3.
Variant type: single nucleotide variant.
Coding change: c.6198G>C on transcript NM_000081.4 (MANE Select); coding-DNA position 6198, G replaced by C.
Protein change: p.Met2066Ile; replaces methionine 2066 with isoleucine.
Molecular consequence: missense variant.
Genome position (GRCh38, 1-based): chr1:235,762,775, C>G on the plus strand (G>C on the coding strand, the complement: LYST is on the minus strand). VCF-style: chr1-235762775-C-G. GRCh37 (hg19) VCF-style: chr1-235926075-C-G.
Other names: c.6198G>C, p.Met2066Ile (NM_001301365.1); short protein forms M2066I.
Identifiers: ClinVar variation 4737532 (VCV004737532.1).

ClinVar aggregate classification (germline): Uncertain significance (1 of 4 stars; one submission).

Conditions:
Chédiak-Higashi syndrome (CHS). Also called: Chediak-Higashi Syndrome. Identifiers: Orphanet 167, MedGen C0007965, MONDO:0008963, OMIM 214500.

gnomAD v4.1: 1 of 1,612,990 alleles (0.000062%); highest among the groups gnomAD compares: Non-Finnish European, 0.000085%; no homozygotes.

Submission:

Labcorp Genetics (formerly Invitae), Labcorp
Classification: Uncertain significance for Chédiak-Higashi syndrome. Last evaluated: 2025-08-23. Review status: criteria provided, single submitter. Criteria: Invitae Variant Classification Sherloc (09022015). Collection method: clinical testing. Allele origin: germline.
Comment: This sequence change replaces methionine, which is neutral and non-polar, with isoleucine, which is neutral and non-polar, at codon 2066 of the LYST protein (p.Met2066Ile). This variant is not present in population databases (gnomAD no frequency). This variant has not been reported in the literature in individuals affected with LYST-related conditions. Invitae Evidence Modeling of protein sequence and biophysical properties (such as structural, functional, and spatial information, amino acid conservation, physicochemical variation, residue mobility, and thermodynamic stability) indicates that this missense variant is not expected to disrupt LYST protein function with a negative predictive value of 80%. In summary, the available evidence is currently insufficient to determine the role of this variant in disease. Therefore, it has been classified as a Variant of Uncertain Significance.